The following is an entry in ClinVar:

ClinVar aggregate classification (germline): Pathogenic (1 of 4 stars; one submission).

Conditions:
Congenital myasthenic syndrome 5. Identifiers: Orphanet 590, MedGen C1864233, MONDO:0011281, OMIM 603034.

Submission:

3billion
Classification: Pathogenic for Congenital myasthenic syndrome 5. Last evaluated: 2025-11-13. Review status: criteria provided, single submitter. Criteria: ACMG Guidelines, 2015. Collection method: clinical testing. Allele origin: germline. Affected: yes.
Comment: The variant is not observed in the gnomAD v4.1.0 dataset. Predicted Consequence/Location: Frameshift: predicted to result in a loss or disruption of normal protein function through nonsense-mediated decay (NMD) or protein truncation. Multiple pathogenic variants are reported downstream of the variant. Therefore, this variant is classified as Pathogenic according to the recommendation of ACMG/AMP guideline.

NM_005677.4(COLQ):c.1181del (p.Gly394fs)

Gene: COLQ (collagen like tail subunit of asymmetric acetylcholinesterase; minus strand). Cytogenetic location: 3p25.1.
Variant type: Deletion.
Coding change: c.1181del on transcript NM_005677.4 (MANE Select); coding-DNA position 1181, one base deleted (G; older notation c.1181delG).
Protein change: p.Gly394fs; shifts the reading frame from glycine 394.
Molecular consequence: frameshift variant.
Genome position (GRCh38, 1-based): chr3:15,455,913, C deleted on the plus strand (G on the coding strand, the reverse complement: COLQ is on the minus strand); the first of 3 consecutive C bases (chr3:15,455,913-15,455,915); deleting any one gives the same sequence. VCF-style (leftmost placement, unchanged base first): chr3-15455912-AC-A. GRCh37 (hg19) VCF-style: chr3-15497419-AC-A.
Other names: c.1151del, p.Gly384fs (NM_080538.2); c.1079del, p.Gly360fs (NM_080539.4); short protein forms G360fs, G384fs, G394fs.
Identifiers: ClinVar variation 4854068 (VCV004854068.1).